The following is an entry in ClinVar:

NM_001128922.2(LRRC32):c.1553G>A (p.Arg518Gln)

Genes: LRRC32 (leucine rich repeat containing 32; minus strand), LRRC32-AS1 (LRRC32 antisense RNA 1; plus strand). Cytogenetic location: 11q13.5.
Variant type: single nucleotide variant.
Coding change: c.1553G>A on transcript NM_001128922.2 (MANE Select); coding-DNA position 1553, G replaced by A.
Protein change: p.Arg518Gln; replaces arginine 518 with glutamine.
Molecular consequence: missense variant. On other transcripts: non-coding transcript variant (1), intron variant (1).
Genome position (GRCh38, 1-based): chr11:76,660,040, C>T on the plus strand (G>A on the coding strand, the complement: LRRC32 is on the minus strand). VCF-style: chr11-76660040-C-T. GRCh37 (hg19) VCF-style: chr11-76371084-C-T.
Other names: c.1553G>A, p.Arg518Gln (NM_001370187.1, NM_001370188.1, NM_005512.3); c.1487G>A, p.Arg496Gln (NM_001370189.1); c.1223G>A, p.Arg408Gln (NM_001370190.1); c.85-2006G>A (NM_001370191.1); short protein forms R408Q, R496Q, R518Q.
Identifiers: ClinVar variation 3048653 (VCV003048653.2), dbSNP rs115658755, ClinGen allele CA6194580.
Genomic context (GRCh38, chr11:76,660,040, plus strand): 5'-AGTGACACAGCCTGTGTCCAGGCGGGAAGGTGGCTCAGGCGGTTCTCGGCAAGATTGAGC[C>T]GCTTGAGGCAGATGAAGCAGGGCAGGTCCACCTGCAGGACCATCAGCCCGTTGCCCTGCA-3'
Protein context (NP_001122394.1, residues 508-528): VDLPCFICLK[Arg518Gln]LNLAENRLSH

ClinVar aggregate classification (germline): Likely benign (0 of 4 stars; one submission).

Conditions:
LRRC32-related disorder. Also called: LRRC32-related condition.

Allele frequency attached by ClinVar (database versions not stated): gnomAD 0.00084; 1000 Genomes Project 0.00100; 1000 Genomes Project 30x 0.00109; gnomAD exomes 0.00008; ExAC 0.00020; ESP Exome Variant Server 0.00062; TOPMed 0.00094.

Submission:

PreventionGenetics, part of Exact Sciences
Classification: Likely benign for LRRC32-related condition. Last evaluated: 2023-05-04. Review status: no assertion criteria provided. Collection method: clinical testing. Allele origin: germline.
Comment: This variant is classified as likely benign based on ACMG/AMP sequence variant interpretation guidelines (Richards et al. 2015 PMID: 25741868, with internal and published modifications).